The following is an entry in ClinVar:

ClinVar aggregate classification (germline): Uncertain significance. Review status: criteria provided, multiple submitters, no conflicts (2 of 4 stars). 2 submissions from 2 submitters: Uncertain significance (2). Last evaluated 2024-11-05.

Conditions:
Autosomal dominant spastic paraplegia type 9. Identifiers: MedGen C1832669, MONDO:0015091.
Cutis laxa, autosomal dominant 3 (ADCL3). Identifiers: Orphanet 90348, MedGen C4225268, MONDO:0014706, OMIM 616603.
de Barsy syndrome. Also called: Cutis laxa-corneal clouding-oligophrenia syndrome. Identifiers: Orphanet 2962, MedGen C0268354, MONDO:0017569.
Inborn genetic diseases. Identifiers: MedGen C0950123, MeSH D030342.

Allele frequency attached by ClinVar (database versions not stated): gnomAD exomes below 0.00001; ExAC 0.00001; gnomAD 0.00003; TOPMed 0.00004; ESP Exome Variant Server 0.00015.
gnomAD v4.1: 11 of 1,613,988 alleles (0.00068%); highest among the groups gnomAD compares: African/African-American, 0.015%; no homozygotes.

Submissions (2):

Labcorp Genetics (formerly Invitae), Labcorp
Classification: Uncertain significance for Autosomal dominant spastic paraplegia type 9; de Barsy syndrome; Cutis laxa, autosomal dominant 3. Last evaluated: 2024-11-05. Review status: criteria provided, single submitter. Criteria: Invitae Variant Classification Sherloc (09022015). Collection method: clinical testing. Allele origin: germline.
Comment: This sequence change replaces proline, which is neutral and non-polar, with threonine, which is neutral and polar, at codon 358 of the ALDH18A1 protein (p.Pro358Thr). This variant is present in population databases (rs144038491, gnomAD 0.007%). This variant has not been reported in the literature in individuals affected with ALDH18A1-related conditions. ClinVar contains an entry for this variant (Variation ID: 2292631). Invitae Evidence Modeling of protein sequence and biophysical properties (such as structural, functional, and spatial information, amino acid conservation, physicochemical variation, residue mobility, and thermodynamic stability) indicates that this missense variant is not expected to disrupt ALDH18A1 protein function with a negative predictive value of 95%. In summary, the available evidence is currently insufficient to determine the role of this variant in disease. Therefore, it has been classified as a Variant of Uncertain Significance.

Ambry Genetics
Classification: Uncertain significance for Inborn genetic diseases. Last evaluated: 2022-05-27. Review status: criteria provided, single submitter. Criteria: Ambry Variant Classification Scheme 2023. Collection method: clinical testing. Allele origin: germline.

NM_002860.4(ALDH18A1):c.1072C>A (p.Pro358Thr)

Gene: ALDH18A1 (aldehyde dehydrogenase 18 family member A1; minus strand). Cytogenetic location: 10q24.1.
Variant type: single nucleotide variant.
Coding change: c.1072C>A on transcript NM_002860.4 (MANE Select); coding-DNA position 1072, C replaced by A.
Protein change: p.Pro358Thr; replaces proline 358 with threonine.
Molecular consequence: missense variant.
Genome position (GRCh38, 1-based): chr10:95,627,448, G>T on the plus strand (C>A on the coding strand, the complement: ALDH18A1 is on the minus strand). VCF-style: chr10-95627448-G-T. GRCh37 (hg19) VCF-style: chr10-97387205-G-T.
Other names: c.1066C>A, p.Pro356Thr (NM_001017423.2, NM_001323415.2); c.739C>A, p.Pro247Thr (NM_001323412.2, NM_001323416.2); c.1072C>A, p.Pro358Thr (NM_001323413.2, NM_001323414.2); c.967C>A, p.Pro323Thr (NM_001323417.2); c.733C>A, p.Pro245Thr (NM_001323418.2); c.436C>A, p.Pro146Thr (NM_001323419.2); short protein forms P247T, P146T, P323T, P358T, P245T, P356T.
Identifiers: ClinVar variation 2292631 (VCV002292631.4), dbSNP rs144038491, ClinGen allele CA5620437.